The following is an entry in ClinVar:

NM_001375524.1(TRRAP):c.3005T>C (p.Ile1002Thr)

Gene: TRRAP (transformation/transcription domain associated protein; plus strand). Cytogenetic location: 7q22.1.
Variant type: single nucleotide variant.
Coding change: c.3005T>C on transcript NM_001375524.1 (MANE Select); coding-DNA position 3005, T replaced by C.
Protein change: p.Ile1002Thr; replaces isoleucine 1002 with threonine.
Molecular consequence: missense variant.
Genome position (GRCh38, 1-based): chr7:98,927,196, T>C. VCF-style: chr7-98927196-T-C. GRCh37 (hg19) VCF-style: chr7-98524819-T-C.
Other names: c.3005T>C, p.Ile1002Thr (NM_001244580.2, NM_003496.4); c.3005T>C (NM_001244580.1); short protein forms I1002T.
Identifiers: ClinVar variation 1922810 (VCV001922810.6), dbSNP rs375911574, ClinGen allele CA4359912.

ClinVar aggregate classification (germline): Uncertain significance. Review status: criteria provided, multiple submitters, no conflicts (2 of 4 stars). 2 submissions from 2 submitters: Uncertain significance (2). Last evaluated 2024-10-20.

Conditions:
Inborn genetic diseases. Identifiers: MedGen C0950123, MeSH D030342.

Allele frequency attached by ClinVar (database versions not stated): gnomAD exomes below 0.00001; ExAC 0.00002; gnomAD 0.00005; TOPMed 0.00005; ESP Exome Variant Server 0.00008.
gnomAD v4.1: 13 of 1,614,104 alleles (0.00081%); highest among the groups gnomAD compares: African/African-American, 0.011%; no homozygotes.

Submissions (2):

Ambry Genetics
Classification: Uncertain significance for Inborn genetic diseases. Last evaluated: 2024-10-20. Review status: criteria provided, single submitter. Criteria: Ambry Variant Classification Scheme 2023. Collection method: clinical testing. Allele origin: germline.

Labcorp Genetics (formerly Invitae), Labcorp
Classification: Uncertain significance. Last evaluated: 2022-04-29. Review status: criteria provided, single submitter. Criteria: Invitae Variant Classification Sherloc (09022015). Collection method: clinical testing. Allele origin: germline.
Comment: This variant has not been reported in the literature in individuals affected with TRRAP-related conditions. This variant is present in population databases (rs375911574, gnomAD 0.01%). This sequence change replaces isoleucine, which is neutral and non-polar, with threonine, which is neutral and polar, at codon 1002 of the TRRAP protein (p.Ile1002Thr). Algorithms developed to predict the effect of missense changes on protein structure and function (SIFT, PolyPhen-2, Align-GVGD) all suggest that this variant is likely to be tolerated. In summary, the available evidence is currently insufficient to determine the role of this variant in disease. Therefore, it has been classified as a Variant of Uncertain Significance.